The following is an entry in ClinVar:

ClinVar aggregate classification (germline): Likely benign (1 of 4 stars; one submission).

Conditions:
Hereditary diffuse gastric adenocarcinoma (HDGC). Also called: DIFFUSE GASTRIC AND LOBULAR BREAST CANCER SYNDROME. Identifiers: Orphanet 26106, MedGen C1708349, MONDO:0007648, OMIM 137215.

Submission:

Myriad Genetics, Inc.
Classification: Likely benign for Hereditary diffuse gastric adenocarcinoma. Last evaluated: 2024-09-13. Review status: criteria provided, single submitter. Criteria: Myriad Autosomal Dominant, Autosomal Recessive and X-Linked Classification Criteria (2023). Collection method: clinical testing. Allele origin: unknown.
Comment: This variant is considered likely benign. This variant is intronic and is not expected to impact mRNA splicing.

NM_004360.5(CDH1):c.688-15A>G

Gene: CDH1 (cadherin 1; plus strand). Cytogenetic location: 16q22.1.
Variant type: single nucleotide variant.
Coding change: c.688-15A>G on transcript NM_004360.5 (MANE Select); 15 bases into the intron before coding-DNA position 688, A replaced by G.
Molecular consequence: intron variant.
Genome position (GRCh38, 1-based): chr16:68,810,182, A>G. VCF-style: chr16-68810182-A-G. GRCh37 (hg19) VCF-style: chr16-68844085-A-G.
Other names: c.-928-15A>G (NM_001317185.2); c.-1132-15A>G (NM_001317186.2); c.688-15A>G (NM_001317184.2).
Identifiers: ClinVar variation 3378708 (VCV003378708.1).